The following is an entry in ClinVar:

ClinVar aggregate classification (germline): Pathogenic (1 of 4 stars; one submission).

Conditions:
Polycystic kidney disease 7 (PKD7). Identifiers: MedGen C5774222, MONDO:0031062, OMIM 620056.

Submission:

MVZ Medizinische Genetik Mainz
Classification: Pathogenic for Polycystic kidney disease 7. Last evaluated: 2026-05-12. Review status: criteria provided, single submitter. Criteria: UK Practice Guidelines For Variant Classification V4 01 2020. Collection method: clinical testing. Allele origin: germline. Inheritance: Autosomal dominant inheritance. Affected: yes. Observed: 1 variant allele.
Comment: ACMG Criteria: PVS1,PM2_SUP

NM_013338.5(ALG5):c.774G>A (p.Trp258Ter)

Gene: ALG5 (ALG5 dolichyl-phosphate beta-glucosyltransferase; minus strand). Cytogenetic location: 13q13.3.
Variant type: single nucleotide variant.
Coding change: c.774G>A on transcript NM_013338.5 (MANE Select); coding-DNA position 774, G replaced by A.
Protein change: p.Trp258Ter; replaces tryptophan 258 with a stop codon.
Molecular consequence: nonsense.
Genome position (GRCh38, 1-based): chr13:36,952,599, C>T on the plus strand (G>A on the coding strand, the complement: ALG5 is on the minus strand). VCF-style: chr13-36952599-C-T. GRCh37 (hg19) VCF-style: chr13-37526736-C-T.
Other names: c.684G>A, p.Trp228Ter (NM_001142364.1); short protein forms W228*, W258*.
Identifiers: ClinVar variation 4852335 (VCV004852335.1).